The following continues an entry in ClinVar:

NM_000257.4(MYH7):c.2710C>T (p.Arg904Cys)

Gene: MYH7. ClinVar aggregate classification (germline): Pathogenic. Pathogenic (1).

Submissions 9 to 12 of 12:

Human Genome Sequencing Center Clinical Lab, Baylor College of Medicine
Classification: Pathogenic for Hypertrophic cardiomyopathy 1. Last evaluated: 2019-07-24. Review status: criteria provided, single submitter. Criteria: ACMG Guidelines, 2015. Collection method: clinical testing. Allele origin: germline. Not counted in ClinVar's aggregate classification.
Comment: The c.2710C>T variant in the MYH7 gene changes the arginine to a cysteine at codon 904 in the resultant protein (p.Arg904Cys). This codon lies within an important functional domain of MYH7 (amino acids 181-937). It is an evolutionarily conserved location and in-silico tools predict this change to be damaging. This particular variant has been reported in multiple individuals with dilated cardiomyopathy and segregates within families (PMID: 27532257, 20573160). In addition, a different missense substitution at this same codon (p.Arg904His) is considered pathogenic. It is an extremely rare variant having been seen in 1/251442 (0.000398%) individuals in gnomAD. According to ClinGen's Inherited Cardiomyopathy Expert Panel guidelines for interpretation of MYH7 (PMID: 29300372), this variant is considered pathogenic.

Laboratory for Molecular Medicine, Mass General Brigham Personalized Medicine
Classification: Pathogenic for Primary dilated cardiomyopathy. Last evaluated: 2018-01-19. Review status: criteria provided, single submitter. Criteria: LMM Criteria. Collection method: clinical testing. Allele origin: germline. Inheritance: Autosomal dominant inheritance. Observed: 4 variant alleles. Not counted in ClinVar's aggregate classification.
Comment: The p.Arg904Cys variant in MYH7 has been identified in at least 4 individuals wi th DCM and segregated with disease in 11 affected relatives from 2 families (van der Zwaag 2011; Miller 2017; LMM data). It has also been identified in 1/9850 o f Ashkenazi Jewish chromosomes by the Genome Aggregation Database (gnomAD; dbSNP rs727503253). Arginine (Arg) at position 904 is highly conserved in mammals and across evolutionarily distant species and the change to cysteine (Cys) was predicted to be pathogenic using a computational t ool clinically validated by our laboratory. This tool's pathogenic prediction is estimated to be correct 94% of the time (Jordan 2011). Of note, this variant li es in the head region of the protein. Missense variants in this region have been reported and statistically indicated to be more likely to cause disease (Walsh 2016). In summary, this variant meets criteria to be classified as pathogenic fo r dilated cardiomyopathy in an autosomal dominant manner based upon segregation studies, low frequency in controls, and predicted functional impact. ACMG/AMP Cr iteria applied: PP1_Strong; PM1; PM2; PP3; PS4_Supporting.

Center for Medical Genetics Ghent, University of Ghent
Classification: Pathogenic for Dilated cardiomyopathy 1S. Last evaluated: 2016-02-18. Review status: criteria provided, single submitter. Criteria: ACMG Guidelines, 2015. Collection method: clinical testing. Allele origin: germline. Affected: yes. Not counted in ClinVar's aggregate classification.

Baylor Genetics
Classification: Pathogenic for Dilated cardiomyopathy 1S. Review status: criteria provided, single submitter. Criteria: ACMG Guidelines, 2015. Collection method: clinical testing. Allele origin: unknown. Not counted in ClinVar's aggregate classification.

Literature cited by the submitters: PubMed 20573160 (cited by 4 submitters); PubMed 23349452 (cited by Labcorp Genetics (formerly Invitae), Labcorp and Laboratory for Molecular Medicine, Mass General Brigham Personalized Medicine); PubMed 28855170 (cited by Labcorp Genetics (formerly Invitae), Labcorp and Ambry Genetics); PubMed 29212898 (cited by 3 submitters); PubMed 29447731 (cited by Labcorp Genetics (formerly Invitae), Labcorp and Ambry Genetics); PubMed 21750094 (cited by Labcorp Genetics (formerly Invitae), Labcorp and Laboratory for Molecular Medicine, Mass General Brigham Personalized Medicine); PubMed 22464770 (cited by Labcorp Genetics (formerly Invitae), Labcorp); PubMed 25448463 (cited by Labcorp Genetics (formerly Invitae), Labcorp); PubMed 24714796 (cited by Victorian Clinical Genetics Services, Murdoch Childrens Research Institute); PubMed 29300372 (cited by Victorian Clinical Genetics Services, Murdoch Childrens Research Institute); PubMed 34935411 (cited by Victorian Clinical Genetics Services, Murdoch Childrens Research Institute); PubMed 27532257 (cited by Laboratory for Molecular Medicine, Mass General Brigham Personalized Medicine); PubMed 25326635 (cited by Baylor Genetics).